The following is an entry in ClinVar:

NM_017780.4(CHD7):c.3949C>T (p.Arg1317Cys)

Gene: CHD7 (chromodomain helicase DNA binding protein 7; plus strand). Cytogenetic location: 8q12.2.
Variant type: single nucleotide variant.
Coding change: c.3949C>T on transcript NM_017780.4 (MANE Select); coding-DNA position 3949, C replaced by T.
Protein change: p.Arg1317Cys; replaces arginine 1317 with cysteine.
Molecular consequence: missense variant. On other transcripts: intron variant (1).
Genome position (GRCh38, 1-based): chr8:60,836,243, C>T. VCF-style: chr8-60836243-C-T. GRCh37 (hg19) VCF-style: chr8-61748802-C-T.
Other names: c.1717-25986C>T (NM_001316690.1); short protein forms R1317C.
Identifiers: ClinVar variation 95788 (VCV000095788.32), dbSNP rs373301291, ClinGen allele CA223296.

ClinVar aggregate classification (germline): Conflicting classifications of pathogenicity. Review status: criteria provided, conflicting classifications (1 of 4 stars). 5 submissions from 5 submitters: Uncertain significance (3); Likely benign (2). Last evaluated 2026-01-24.

Conditions:
CHD7-related disorder. Also called: CHD7-related condition.
CHARGE syndrome (CHARGE). Also called: Hittner Hirsch Kreh syndrome; Coloboma, heart anomaly, choanal atresia, retardation, genital and ear anomalies; CHARGE association; Hall-Hittner syndrome; CHARGE ASSOCIATION--COLOBOMA, HEART ANOMALY, CHOANAL ATRESIA, RETARDATION, GENITAL AND EAR ANOMALIES. Identifiers: Orphanet 138, MedGen C0265354, MONDO:0008965.
Hypogonadotropic hypogonadism 5 with or without anosmia (KAL5). Also called: CHD7-Related GnRH Deficiency (Kallmann Syndrome 5); HYPOGONADOTROPIC HYPOGONADISM 5 WITH ANOSMIA; HYPOGONADOTROPHIC HYPOGONADISM 5 WITHOUT ANOSMIA. Identifiers: Orphanet 478, MedGen C3552553, MONDO:0012880, OMIM 612370. Disease mechanism: loss of function.

Allele frequency attached by ClinVar (database versions not stated): TOPMed 0.00007; ESP Exome Variant Server 0.00008.
gnomAD v4.1: 105 of 1,613,836 alleles (0.0065%); highest among the groups gnomAD compares: Non-Finnish European, 0.0078%; no homozygotes.

Submissions (5):

PreventionGenetics, part of Exact Sciences
Classification: Likely benign for CHD7-related condition. Last evaluated: 2026-01-24. Review status: criteria provided, single submitter. Criteria: ACMG Guidelines, 2015. Collection method: clinical testing. Allele origin: germline.
Comment: This variant is classified as likely benign based on ACMG/AMP sequence variant interpretation guidelines (Richards et al. 2015 PMID: 25741868, with internal and published modifications).

Labcorp Genetics (formerly Invitae), Labcorp
Classification: Uncertain significance for CHARGE syndrome. Last evaluated: 2026-01-11. Review status: criteria provided, single submitter. Criteria: Invitae Variant Classification Sherloc (09022015). Collection method: clinical testing. Allele origin: germline.
Comment: This sequence change replaces arginine, which is basic and polar, with cysteine, which is neutral and slightly polar, at codon 1317 of the CHD7 protein (p.Arg1317Cys). This variant is present in population databases (rs373301291, gnomAD 0.009%). This variant has not been reported in the literature in individuals affected with CHD7-related conditions. ClinVar contains an entry for this variant (Variation ID: 95788). Invitae Evidence Modeling of protein sequence and biophysical properties (such as structural, functional, and spatial information, amino acid conservation, physicochemical variation, residue mobility, and thermodynamic stability) indicates that this missense variant is expected to disrupt CHD7 protein function with a positive predictive value of 95%. In summary, the available evidence is currently insufficient to determine the role of this variant in disease. Therefore, it has been classified as a Variant of Uncertain Significance.

CeGaT Center for Human Genetics Tuebingen
Classification: Likely benign. Last evaluated: 2024-10-01. Review status: criteria provided, single submitter. Criteria: CeGaT Center For Human Genetics Tuebingen Variant Classification Criteria Version 2. Collection method: clinical testing. Allele origin: germline. Affected: yes. Observed: 1 variant allele.
Comment: CHD7: PP3, BS2

Fulgent Genetics
Classification: Uncertain significance for CHD7-related CHARGE syndrome; Hypogonadotropic hypogonadism 5 with or without anosmia. Last evaluated: 2024-01-10. Review status: criteria provided, single submitter. Criteria: ACMG Guidelines, 2015. Collection method: clinical testing. Allele origin: germline.

Eurofins Ntd Llc (ga)
Classification: Uncertain significance. Last evaluated: 2016-07-13. Review status: criteria provided, single submitter. Criteria: EGL Classification Definitions 2015. Collection method: clinical testing. Allele origin: germline. Observed: 3 variant alleles, 3 heterozygotes.